The following is an entry in ClinVar:

NM_000384.3(APOB):c.5767C>T (p.His1923Tyr)

Gene: APOB (apolipoprotein B; minus strand). Cytogenetic location: 2p24.1.
Variant type: single nucleotide variant.
Coding change: c.5767C>T on transcript NM_000384.3 (MANE Select); coding-DNA position 5767, C replaced by T.
Protein change: p.His1923Tyr; replaces histidine 1923 with tyrosine.
Molecular consequence: missense variant.
Genome position (GRCh38, 1-based): chr2:21,011,101, G>A on the plus strand (C>T on the coding strand, the complement: APOB is on the minus strand). VCF-style: chr2-21011101-G-A. GRCh37 (hg19) VCF-style: chr2-21233973-G-A.
Other names: short protein forms H1923Y.
Identifiers: ClinVar variation 918752 (VCV000918752.5), dbSNP rs746220914, ClinGen allele CA062475.
Genomic context (GRCh38, chr2:21,011,101, plus strand): 5'-AGAAAGTAAATGCCAGAGGTTCTGCTTTCAACAGGAATTTGCTATACAGCTGCCCAGTAT[G>A]TTCTCCCCAGAGAGCGAGTTTCCCATTGCCATTTGTATGTGCATCGATGGTCATGGTAAA-3'
Protein context (NP_000375.3, residues 1913-1933): GNGKLALWGE[His1923Tyr]TGQLYSKFLL

ClinVar aggregate classification (germline): Uncertain significance (1 of 4 stars; one submission).

Conditions:
Cardiovascular phenotype. Identifiers: MedGen CN230736.

Allele frequency attached by ClinVar (database versions not stated): gnomAD exomes below 0.00001 and 0.00001; gnomAD 0.00001; TOPMed 0.00001; ExAC 0.00002.

Submission:

Ambry Genetics
Classification: Uncertain significance for Cardiovascular phenotype. Last evaluated: 2022-02-04. Review status: criteria provided, single submitter. Criteria: Ambry Variant Classification Scheme 2023. Collection method: clinical testing. Allele origin: germline.
Comment: The p.H1923Y variant (also known as c.5767C>T), located in coding exon 26 of the APOB gene, results from a C to T substitution at nucleotide position 5767. The histidine at codon 1923 is replaced by tyrosine, an amino acid with similar properties. This amino acid position is conserved. In addition, this alteration is predicted to be tolerated by in silico analysis. Since supporting evidence is limited at this time, the clinical significance of this alteration remains unclear.